The following is an entry in ClinVar:

ClinVar aggregate classification (germline): Uncertain significance. Review status: criteria provided, multiple submitters, no conflicts (2 of 4 stars). 3 submissions from 3 submitters: Uncertain significance (3). Last evaluated 2026-04-17.

Conditions:
COL9A1-related disorder. Also called: COL9A1-related condition; COL9A1-related disorders.

Allele frequency attached by ClinVar (database versions not stated): ExAC 0.00003; gnomAD 0.00005; TOPMed 0.00006; ESP Exome Variant Server 0.00015.
gnomAD v4.1: 69 of 1,613,944 alleles (0.0043%); highest among the groups gnomAD compares: African/African-American, 0.012%; no homozygotes.

Submissions (3):

PreventionGenetics, part of Exact Sciences
Classification: Uncertain significance for COL9A1-related condition. Last evaluated: 2026-04-17. Review status: criteria provided, single submitter. Criteria: ACMG Guidelines, 2015. Collection method: clinical testing. Allele origin: germline.
Comment: The COL9A1 c.2401C>T variant is predicted to result in the amino acid substitution p.Pro801Ser. To our knowledge, this variant has not been reported in the literature. This variant is reported in 0.020% of alleles in individuals of African descent in gnomAD. At this time, the clinical significance of this variant is uncertain due to the absence of conclusive functional and genetic evidence.

Labcorp Genetics (formerly Invitae), Labcorp
Classification: Uncertain significance. Last evaluated: 2022-06-13. Review status: criteria provided, single submitter. Criteria: Invitae Variant Classification Sherloc (09022015). Collection method: clinical testing. Allele origin: germline.
Comment: This sequence change replaces proline, which is neutral and non-polar, with serine, which is neutral and polar, at codon 801 of the COL9A1 protein (p.Pro801Ser). This variant is present in population databases (rs147095719, gnomAD 0.03%). This variant has not been reported in the literature in individuals affected with COL9A1-related conditions. ClinVar contains an entry for this variant (Variation ID: 1198798). Advanced modeling of protein sequence and biophysical properties (such as structural, functional, and spatial information, amino acid conservation, physicochemical variation, residue mobility, and thermodynamic stability) performed at Invitae indicates that this missense variant is not expected to disrupt COL9A1 protein function. In summary, the available evidence is currently insufficient to determine the role of this variant in disease. Therefore, it has been classified as a Variant of Uncertain Significance.

GeneDx
Classification: Uncertain significance. Last evaluated: 2021-03-25. Review status: criteria provided, single submitter. Criteria: GeneDx Variant Classification Process June 2021. Collection method: clinical testing. Allele origin: germline. Affected: yes.
Comment: Has not been previously published as pathogenic or benign to our knowledge; In silico analysis supports that this missense variant has a deleterious effect on protein structure/function

NM_001851.6(COL9A1):c.2401C>T (p.Pro801Ser)

Gene: COL9A1 (collagen type IX alpha 1 chain; minus strand). Cytogenetic location: 6q13.
Variant type: single nucleotide variant.
Coding change: c.2401C>T on transcript NM_001851.6 (MANE Select); coding-DNA position 2401, C replaced by T.
Protein change: p.Pro801Ser; replaces proline 801 with serine.
Molecular consequence: missense variant. On other transcripts: non-coding transcript variant (1).
Genome position (GRCh38, 1-based): chr6:70,232,685, G>A on the plus strand (C>T on the coding strand, the complement: COL9A1 is on the minus strand). VCF-style: chr6-70232685-G-A. GRCh37 (hg19) VCF-style: chr6-70942388-G-A.
Other names: c.1702C>T, p.Pro568Ser (NM_001377289.1); c.1525C>T, p.Pro509Ser (NM_001377290.1); c.1672C>T, p.Pro558Ser (NM_078485.4); short protein forms P509S, P558S, P568S, P801S.
Identifiers: ClinVar variation 1198798 (VCV001198798.5), dbSNP rs147095719, ClinGen allele CA3881775.
Genomic context (GRCh38, chr6:70,232,685, plus strand): 5'-TGCCCGGAAGGCCACGAATTCCCATCTGGCCTGGGAAACCATTCTCTCCAGGAGGGCCGG[G>A]GGGACCAGGAGGGCCAGGCCTTCCAGGAAGCCCAGTGGCACCTGAGTCTGGACGCTTAAG-3'
Protein context (NP_001842.3, residues 791-811): LPGRPGPPGP[Pro801Ser]GPPGENGFPG